The following is an entry in ClinVar:

NM_001159699.2(FHL1):c.861G>T (p.Val287=)

Gene: FHL1 (four and a half LIM domains 1; plus strand). Cytogenetic location: Xq26.3.
Variant type: single nucleotide variant.
Coding change: c.861G>T on transcript NM_001159699.2 (MANE Select); coding-DNA position 861, G replaced by T.
Protein change: p.Val287=; no amino-acid change (valine 287 retained).
Molecular consequence: synonymous variant. On other transcripts: 3 prime UTR variant (6), non-coding transcript variant (1).
Genome position (GRCh38, 1-based): chrX:136,209,995, G>T. VCF-style: chrX-136209995-G-T. GRCh37 (hg19) VCF-style: chrX-135292154-G-T.
Other names: c.813G>T (NM_001449.4); c.861G>T (NM_001159699.1); c.813G>T, p.Val271= (NM_001159700.2, NM_001159704.1, NM_001167819.1 and 4 more transcripts); c.900G>T, p.Val300= (NM_001159701.2); c.*41G>T (NM_001159702.3, NM_001159703.2, NM_001330659.2 and 3 more transcripts).
Identifiers: ClinVar variation 285816 (VCV000285816.15), dbSNP rs886043219, ClinGen allele CA10605257.

ClinVar aggregate classification (germline): Conflicting classifications of pathogenicity. Review status: criteria provided, conflicting classifications (1 of 4 stars). 4 submissions from 4 submitters: Uncertain significance (1); Likely benign (3). Last evaluated 2026-04-17.

Conditions:
FHL1-related disorder. Also called: FHL1-related condition; FHL1-related disorders.
X-linked myopathy with postural muscle atrophy. Also called: FHL1-Related Emery-Dreifuss Muscular Dystrophy, X-Linked. Identifiers: Orphanet 178461, MedGen C2678055, MONDO:0010401, OMIM 300696.
Cardiovascular phenotype. Identifiers: MedGen CN230736.

Allele frequency attached by ClinVar (database versions not stated): gnomAD exomes 0.00001; TOPMed 0.00001.
gnomAD v4.1: 13 of 1,211,403 alleles (0.0011%); highest among the groups gnomAD compares: Non-Finnish European, 0.0015%; no homozygotes.

Submissions (4):

PreventionGenetics, part of Exact Sciences
Classification: Likely benign for FHL1-related condition. Last evaluated: 2026-04-17. Review status: criteria provided, single submitter. Criteria: ACMG Guidelines, 2015. Collection method: clinical testing. Allele origin: germline.
Comment: This variant is classified as likely benign based on ACMG/AMP sequence variant interpretation guidelines (Richards et al. 2015 PMID: 25741868, with internal and published modifications).

Ambry Genetics
Classification: Likely benign for Cardiovascular phenotype. Last evaluated: 2025-07-28. Review status: criteria provided, single submitter. Criteria: Ambry Variant Classification Scheme 2023. Collection method: clinical testing. Allele origin: germline.

Labcorp Genetics (formerly Invitae), Labcorp
Classification: Likely benign for X-linked myopathy with postural muscle atrophy. Last evaluated: 2025-01-19. Review status: criteria provided, single submitter. Criteria: Invitae Variant Classification Sherloc (09022015). Collection method: clinical testing. Allele origin: germline.

Eurofins Ntd Llc (ga)
Classification: Uncertain significance. Last evaluated: 2016-02-05. Review status: criteria provided, single submitter. Criteria: EGL Classification Definitions 2015. Collection method: clinical testing. Allele origin: germline. Observed: 1 variant allele, 1 hemizygote.